The following is an entry in ClinVar:

NM_002206.3(ITGA7):c.255G>A (p.Ala85=)

Gene: ITGA7 (integrin subunit alpha 7; minus strand). Cytogenetic location: 12q13.2.
Variant type: single nucleotide variant.
Coding change: c.255G>A on transcript NM_002206.3 (MANE Select); coding-DNA position 255, G replaced by A.
Protein change: p.Ala85=; no amino-acid change (alanine 85 retained).
Molecular consequence: synonymous variant. On other transcripts: 5 prime UTR variant (3), intron variant (1).
Genome position (GRCh38, 1-based): chr12:55,703,130, C>T on the plus strand (G>A on the coding strand, the complement: ITGA7 is on the minus strand). VCF-style: chr12-55703130-C-T. GRCh37 (hg19) VCF-style: chr12-56096914-C-T.
Other names: c.255G>A, p.Ala85= (NM_001144996.2, NM_001374465.1, NM_001410977.1 and 6 more transcripts); c.-85G>A (NM_001367993.1, NM_001414035.1); c.-918G>A (NM_001367994.1); c.86-1714G>A (NM_001144997.2).
Identifiers: ClinVar variation 1081496 (VCV001081496.10), dbSNP rs768742655, ClinGen allele CA6616409.

ClinVar aggregate classification (germline): Likely benign. Review status: criteria provided, multiple submitters, no conflicts (2 of 4 stars). 2 submissions from 2 submitters: Likely benign (2). Last evaluated 2026-07-01.

Conditions:
Congenital muscular dystrophy due to integrin alpha-7 deficiency. Also called: Congenital muscular dystrophy with integrin alpha-7 deficiency; Muscular dystrophy, congenital, due to ITGA7 deficiency; MYOPATHY, CONGENITAL, DUE TO INTEGRIN ALPHA-7 DEFICIENCY. Identifiers: Orphanet 34520, MedGen C2750786, MONDO:0013177, OMIM 613204.

Allele frequency attached by ClinVar (database versions not stated): gnomAD 0.00004 and 0.00003; ExAC 0.00001; gnomAD exomes 0.00001 and 0.00002.
gnomAD v4.1: 13 of 1,613,284 alleles (0.00081%); highest among the groups gnomAD compares: Admixed American, 0.005%; no homozygotes.

Submissions (2):

CeGaT Center for Human Genetics Tuebingen
Classification: Likely benign. Last evaluated: 2026-07-01. Review status: criteria provided, single submitter. Criteria: CeGaT Center For Human Genetics Tuebingen Variant Classification Criteria Version 2. Collection method: clinical testing. Allele origin: germline. Affected: yes. Observed: 1 variant allele.
Comment: ITGA7: BP4, BP7

Labcorp Genetics (formerly Invitae), Labcorp
Classification: Likely benign for Congenital muscular dystrophy due to integrin alpha-7 deficiency. Last evaluated: 2023-10-13. Review status: criteria provided, single submitter. Criteria: Invitae Variant Classification Sherloc (09022015). Collection method: clinical testing. Allele origin: germline.